The following is an entry in ClinVar:

ClinVar aggregate classification (germline): Uncertain significance (1 of 4 stars; one submission).

Submission:

GeneDx
Classification: Uncertain significance. Last evaluated: 2024-01-26. Review status: criteria provided, single submitter. Criteria: GeneDx Variant Classification Process June 2021. Collection method: clinical testing. Allele origin: germline. Affected: yes.
Comment: Not observed at significant frequency in large population cohorts (gnomAD); In silico analysis supports that this missense variant has a deleterious effect on protein structure/function; Has not been previously published as pathogenic or benign to our knowledge

NM_001007553.3(CSDE1):c.202G>T (p.Asp68Tyr)

Gene: CSDE1 (cold shock domain containing E1; minus strand). Cytogenetic location: 1p13.2.
Variant type: single nucleotide variant.
Coding change: c.202G>T on transcript NM_001007553.3 (MANE Select); coding-DNA position 202, G replaced by T.
Protein change: p.Asp68Tyr; replaces aspartic acid 68 with tyrosine.
Molecular consequence: missense variant.
Genome position (GRCh38, 1-based): chr1:114,738,070, C>A on the plus strand (G>T on the coding strand, the complement: CSDE1 is on the minus strand). VCF-style: chr1-114738070-C-A. GRCh37 (hg19) VCF-style: chr1-115280691-C-A.
Other names: c.340G>T, p.Asp114Tyr (NM_001130523.3, NM_001242891.2); c.202G>T, p.Asp68Tyr (NM_001242892.2, NM_001242893.2, NM_007158.6); short protein forms D114Y, D68Y.
Identifiers: ClinVar variation 3368305 (VCV003368305.1).